The following is an entry in ClinVar:

ClinVar aggregate classification (germline): Uncertain significance (1 of 4 stars; one submission).

Allele frequency attached by ClinVar (database versions not stated): gnomAD exomes below 0.00001.
gnomAD v4.1: 1 of 1,614,176 alleles (0.000062%); highest among the groups gnomAD compares: Non-Finnish European, 0.000085%; no homozygotes.

Submission:

GeneDx
Classification: Uncertain significance. Last evaluated: 2022-03-18. Review status: criteria provided, single submitter. Criteria: GeneDx Variant Classification Process June 2021. Collection method: clinical testing. Allele origin: germline. Affected: yes.
Comment: Not observed at significant frequency in large population cohorts (gnomAD); In silico analysis supports that this missense variant does not alter protein structure/function; Has not been previously published as pathogenic or benign to our knowledge

NM_002529.4(NTRK1):c.1203C>A (p.Asn401Lys)

Gene: NTRK1 (neurotrophic receptor tyrosine kinase 1; plus strand). Cytogenetic location: 1q23.1.
Variant type: single nucleotide variant.
Coding change: c.1203C>A on transcript NM_002529.4 (MANE Select); coding-DNA position 1203, C replaced by A.
Protein change: p.Asn401Lys; replaces asparagine 401 with lysine.
Molecular consequence: missense variant.
Genome position (GRCh38, 1-based): chr1:156,874,578, C>A. VCF-style: chr1-156874578-C-A. GRCh37 (hg19) VCF-style: chr1-156844370-C-A.
Other names: c.1203C>A, p.Asn401Lys (NM_001007204.1); c.1095C>A, p.Asn365Lys (NM_001007792.1); c.1185C>A, p.Asn395Lys (NM_001012331.2); short protein forms N365K, N395K, N401K.
Identifiers: ClinVar variation 1706229 (VCV001706229.2), dbSNP rs2102909964, ClinGen allele CA342936422.